The following is an entry in ClinVar:

NM_001009944.3(PKD1):c.4282_4291del (p.Arg1427_Gly1428insTer)

Gene: PKD1 (polycystin 1, transient receptor potential channel interacting; minus strand). Cytogenetic location: 16p13.3.
Variant type: Deletion.
Coding change: c.4282_4291del on transcript NM_001009944.3 (MANE Select); coding-DNA positions 4282 to 4291, 10 bases deleted (GGCCCTGAGG; older notation c.4282_4291delGGCCCTGAGG).
Protein change: p.Arg1427_Gly1428insTer.
Molecular consequence: nonsense.
Genome position (GRCh38, 1-based): chr16:2,110,876-2,110,885, CCTCAGGGCC deleted on the plus strand (GGCCCTGAGG on the coding strand, the reverse complement: PKD1 is on the minus strand); deleting any 10 consecutive bases within chr16:2,110,876-2,110,888 gives the same sequence; the c. name uses the placement nearest the transcript's 3' end. VCF-style (leftmost placement, unchanged base first): chr16-2110875-ACCTCAGGGCC-A. GRCh37 (hg19) VCF-style: chr16-2160876-ACCTCAGGGCC-A.
Other names: c.4282_4291del, p.Arg1427_Gly1428insTer (NM_000296.4).
Identifiers: ClinVar variation 3236365 (VCV003236365.1), dbSNP rs2544823259, ClinGen allele CA2825002326.

ClinVar aggregate classification (germline): Pathogenic (1 of 4 stars; one submission).

Conditions:
Polycystic kidney disease, adult type (PKD1). Also called: Polycystic Kidney Disease 1, Autosomal Dominant; Polycystic kidney disease 1; Polycystic kidney disease 1, severe; Polycystic Kidney, Autosomal Dominant; POLYCYSTIC KIDNEY DISEASE 1 WITH OR WITHOUT POLYCYSTIC LIVER DISEASE; POLYCYSTIC KIDNEY DISEASE, ADULT, TYPE I. Identifiers: MedGen C3149841, MONDO:0008263, OMIM 173900.

Submission:

MVZ Medizinische Genetik Mainz
Classification: Pathogenic for Polycystic kidney disease, adult type. Last evaluated: 2022-04-29. Review status: criteria provided, single submitter. Criteria: UK Practice Guidelines For Variant Classification V4 01 2020. Collection method: clinical testing. Allele origin: germline. Inheritance: Autosomal dominant inheritance. Affected: yes. Observed: 1 variant allele.
Comment: ACMG Criteria: PVS1, PM2_SUP, PP4 (ACMG Version 3)